The following is an entry in ClinVar:

NM_012418.4(FSCN2):c.88G>A (p.Gly30Ser)

Gene: FSCN2 (fascin actin-bundling protein 2, retinal; plus strand). Cytogenetic location: 17q25.3.
Variant type: single nucleotide variant.
Coding change: c.88G>A on transcript NM_012418.4 (MANE Select); coding-DNA position 88, G replaced by A.
Protein change: p.Gly30Ser; replaces glycine 30 with serine.
Molecular consequence: missense variant.
Genome position (GRCh38, 1-based): chr17:81,528,619, G>A. VCF-style: chr17-81528619-G-A. GRCh37 (hg19) VCF-style: chr17-79495645-G-A.
Other names: c.88G>A, p.Gly30Ser (NM_001077182.3); c.88G>A (NM_001077182.2); short protein forms G30S.
Identifiers: ClinVar variation 1408308 (VCV001408308.9), dbSNP rs781809699, ClinGen allele CA8836577.

ClinVar aggregate classification (germline): Uncertain significance. Review status: criteria provided, multiple submitters, no conflicts (2 of 4 stars). 2 submissions from 2 submitters: Uncertain significance (2). Last evaluated 2025-08-21.

gnomAD v4.1: 27 of 1,606,900 alleles (0.0017%); highest among the groups gnomAD compares: Middle Eastern, 0.016%; no homozygotes.

Submissions (2):

Labcorp Genetics (formerly Invitae), Labcorp
Classification: Uncertain significance. Last evaluated: 2025-08-21. Review status: criteria provided, single submitter. Criteria: Invitae Variant Classification Sherloc (09022015). Collection method: clinical testing. Allele origin: germline.
Comment: This sequence change replaces glycine, which is neutral and non-polar, with serine, which is neutral and polar, at codon 30 of the FSCN2 protein (p.Gly30Ser). This variant is present in population databases (rs781809699, gnomAD 0.003%). This variant has not been reported in the literature in individuals affected with FSCN2-related conditions. ClinVar contains an entry for this variant (Variation ID: 1408308). An algorithm developed to predict the effect of missense changes on protein structure and function (PolyPhen-2) suggests that this variant is likely to be disruptive. In summary, the available evidence is currently insufficient to determine the role of this variant in disease. Therefore, it has been classified as a Variant of Uncertain Significance.

Ambry Genetics
Classification: Uncertain significance. Last evaluated: 2023-10-10. Review status: criteria provided, single submitter. Criteria: Ambry Variant Classification Scheme 2023. Collection method: clinical testing. Allele origin: germline.